The following is an entry in ClinVar:

NM_001042492.3(NF1):c.2994T>G (p.Tyr998Ter)

Gene: NF1 (neurofibromin 1; plus strand). Cytogenetic location: 17q11.2.
Variant type: single nucleotide variant.
Coding change: c.2994T>G on transcript NM_001042492.3 (MANE Select); coding-DNA position 2994, T replaced by G.
Protein change: p.Tyr998Ter; replaces tyrosine 998 with a stop codon.
Molecular consequence: nonsense.
Genome position (GRCh38, 1-based): chr17:31,230,263, T>G. VCF-style: chr17-31230263-T-G. GRCh37 (hg19) VCF-style: chr17-29557281-T-G.
Other names: c.2994T>G, p.Tyr998Ter (NM_000267.4); short protein forms Y998*.
Identifiers: ClinVar variation 2726132 (VCV002726132.3), dbSNP rs1188437940, ClinGen allele CA398986514.

ClinVar aggregate classification (germline): Pathogenic (1 of 4 stars; one submission).

Conditions:
Neurofibromatosis, type 1 (NF1). Also called: Neurofibromatosis, type I; NEUROFIBROMATOSIS, TYPE I, SOMATIC; Peripheral type neurofibromatosis; VON RECKLINGHAUSEN DISEASE. Identifiers: Orphanet 636, MedGen C0027831, MONDO:0018975, OMIM 162200. Disease mechanism: loss of function.

Submission:

Labcorp Genetics (formerly Invitae), Labcorp
Classification: Pathogenic for Neurofibromatosis, type 1. Last evaluated: 2023-06-23. Review status: criteria provided, single submitter. Criteria: Invitae Variant Classification Sherloc (09022015). Collection method: clinical testing. Allele origin: germline.
Comment: This premature translational stop signal has been observed in individual(s) with neurofibromatosis type 1 (PMID: 10712197, 30046999). For these reasons, this variant has been classified as Pathogenic. Algorithms developed to predict the effect of sequence changes on RNA splicing suggest that this variant may create or strengthen a splice site. This variant is not present in population databases (gnomAD no frequency). This sequence change creates a premature translational stop signal (p.Tyr998*) in the NF1 gene. It is expected to result in an absent or disrupted protein product. Loss-of-function variants in NF1 are known to be pathogenic (PMID: 10712197, 23913538).

Literature cited by the submitters: PubMed 10712197; PubMed 30046999; PubMed 23913538.